The following is an entry in ClinVar:

NM_000232.5(SGCB):c.31C>G (p.Gln11Glu)

Genes: SGCB (sarcoglycan beta; minus strand), LOC129992585 (ATAC-STARR-seq lymphoblastoid silent region 15421; plus strand). Cytogenetic location: 4q12.
Variant type: single nucleotide variant.
Coding change: c.31C>G on transcript NM_000232.5 (MANE Select); coding-DNA position 31, C replaced by G.
Protein change: p.Gln11Glu; replaces glutamine 11 with glutamic acid.
Molecular consequence: missense variant.
Genome position (GRCh38, 1-based): chr4:52,038,229, G>C on the plus strand (C>G on the coding strand, the complement: SGCB is on the minus strand). VCF-style: chr4-52038229-G-C. GRCh37 (hg19) VCF-style: chr4-52904395-G-C.
Other names: short protein forms Q11E.
Identifiers: ClinVar variation 282248 (VCV000282248.21), dbSNP rs752492870, ClinGen allele CA2918525.

ClinVar aggregate classification (germline): Conflicting classifications of pathogenicity. Review status: criteria provided, conflicting classifications (1 of 4 stars). 9 submissions from 9 submitters: Likely pathogenic (1); Uncertain significance (7). 1 of the submissions does not count toward it. Last evaluated 2025-02-20.

Conditions:
Autosomal recessive limb-girdle muscular dystrophy type 2E (LGMDR4). Also called: MUSCULAR DYSTROPHY, LIMB-GIRDLE, AUTOSOMAL RECESSIVE 4. Identifiers: Orphanet 119, MedGen C1858593, MONDO:0011423, OMIM 604286. Disease mechanism: Affects gamma-sarcoglycan and also disrupts the integrity of the entire sarcoglycan complex..

Allele frequency attached by ClinVar (database versions not stated): ExAC 0.00074; TOPMed 0.00001; 1000 Genomes Project 30x 0.00016; gnomAD exomes 0.00023.

Submissions (9):

Revvity Omics, Revvity
Classification: Uncertain significance for Autosomal recessive limb-girdle muscular dystrophy type 2E. Last evaluated: 2025-02-20. Review status: criteria provided, single submitter. Criteria: ACMG Guidelines, 2015. Collection method: clinical testing. Allele origin: germline.

Labcorp Genetics (formerly Invitae), Labcorp
Classification: Uncertain significance for Autosomal recessive limb-girdle muscular dystrophy type 2E. Last evaluated: 2024-10-13. Review status: criteria provided, single submitter. Criteria: Invitae Variant Classification Sherloc (09022015). Collection method: clinical testing. Allele origin: germline.
Comment: This sequence change replaces glutamine, which is neutral and polar, with glutamic acid, which is acidic and polar, at codon 11 of the SGCB protein (p.Gln11Glu). This variant is present in population databases (rs752492870, gnomAD 0.1%). This missense change has been observed in individual(s) with sarcoglycan deficiency (PMID: 9032047). ClinVar contains an entry for this variant (Variation ID: 282248). An algorithm developed to predict the effect of missense changes on protein structure and function (PolyPhen-2) suggests that this variant¬†is likely to be tolerated. Experimental studies have shown that this missense change affects SGCB function (PMID: 22095924). Algorithms developed to predict the effect of sequence changes on RNA splicing suggest that this variant may disrupt the consensus splice site. In summary, the available evidence is currently insufficient to determine the role of this variant in disease. Therefore, it has been classified as a Variant of Uncertain Significance.

Foundation for Research in Genetics and Endocrinology, FRIGE's Institute of Human Genetics
Classification: Uncertain significance for Autosomal recessive limb-girdle muscular dystrophy type 2E. Last evaluated: 2022-10-21. Review status: criteria provided, single submitter. Criteria: ACMG Guidelines, 2015. Collection method: clinical testing. Allele origin: germline. Inheritance: Autosomal recessive inheritance. Affected: yes. Observed: 1 heterozygote.
Comment: A heterozygous missense variation in exon 1 of the SGCB gene that results in the amino acid substitution of Glutamic Acid for Glutamine at codon 11 (p.Gln11Glu) was detected. This variant c.31C>G (p.Gln11Glu) has not been reported in the 1000 genomes databases. The reference codon is conserved across species. In summary, the variant meets our criteria to be classified as uncertain significance.

Women's Health and Genetics/Laboratory Corporation of America, LabCorp
Classification: Uncertain significance. Last evaluated: 2022-04-24. Review status: criteria provided, single submitter. Criteria: LabCorp Variant Classification Summary - May 2015. Collection method: clinical testing. Allele origin: germline.
Comment: Variant summary: SGCB c.31C>G (p.Gln11Glu) results in a conservative amino acid change in the encoded protein sequence. Five of five in-silico tools predict a benign effect of the variant on protein function. 4/4 computational tools predict no significant impact on normal splicing. However, these predictions have yet to be confirmed by functional studies. The variant allele was found at a frequency of 0.00023 in 38616 control chromosomes. c.31C>G has been reported in the literature in individuals affected with Limb-Girdle Muscular Dystrophy, Autosomal Recessive (example, Duggan_1997, Soheilli_2012). These data indicate that the variant is likely to be associated with disease. To our knowledge, no quantitative experimental evidence demonstrating an impact on protein function has been reported, although it has been demonstrated to impair membrane localization of Sarcoglycans in vitro (Soheilli_2012). Four clinical diagnostic laboratories have submitted clinical-significance assessments for this variant to ClinVar after 2014 without evidence for independent evaluation. All laboratories classified the variant as uncertain significance. Based on the evidence outlined above, the variant was classified as VUS-possibly pathogenic.

GeneDx
Classification: Uncertain significance. Last evaluated: 2021-10-08. Review status: criteria provided, single submitter. Criteria: GeneDx Variant Classification Process June 2021. Collection method: clinical testing. Allele origin: germline. Affected: yes.
Comment: Functional analysis of transfected cells showed that Q11E disrupted localization of the SGCB protein to the cell membrane (Soheili et al., 2012); Missense variants in this gene are often considered pathogenic (Stenson et al., 2014); In silico analysis supports that this missense variant does not alter protein structure/function; This variant is associated with the following publications: (PMID: 9032047, 30564623, 22095924)

Fulgent Genetics
Classification: Uncertain significance for Autosomal recessive limb-girdle muscular dystrophy type 2E. Last evaluated: 2021-10-06. Review status: criteria provided, single submitter. Criteria: ACMG Guidelines, 2015. Collection method: clinical testing. Allele origin: unknown.

Eurofins Ntd Llc (ga)
Classification: Uncertain significance. Last evaluated: 2017-06-06. Review status: criteria provided, single submitter. Criteria: EGL Classification Definitions 2015. Collection method: clinical testing. Allele origin: germline. Observed: 7 variant alleles, 7 homozygotes.

Neuberg Centre For Genomic Medicine, NCGM
Classification: Likely pathogenic for Autosomal recessive limb-girdle muscular dystrophy type 2E. Review status: criteria provided, single submitter. Criteria: ACMG Guidelines, 2015. Collection method: clinical testing. Allele origin: germline. Inheritance: Autosomal recessive inheritance. Affected: yes.
Comment: The missense c.31C>G(p.Gln11Glu) variant lying in splice region of SGCB gene has been reported previously in individuals affected with muscular dystrophies and myopathies (Soheili T, et al., 2012; Duggan DJ, et al., 1997). Functional studies show that this variant disrupted membrane localization of the protein and affects SGCB function (Soheili T, et al., 2012). The p.Gln11Glu variant has been reported with allele frequency of 0.02% in gnomAD Exomes and is novel (not in any individuals) in 1000 Genomes. This variant has been reported to the ClinVar database as Uncertain Significance (multiple submissions). The amino acid change p.Gln11Glu in SGCB is predicted as conserved by GERP++ and PhyloP across 100 vertebrates. The amino acid Gln at position 11 is changed to a Glu changing protein sequence and it might alter its composition and physico-chemical properties. However, additional functional studies will be required to prove the pathogenicity of this variant. For these reasons, this variant has been classified as Likely Pathogenic.

Natera, Inc.
Classification: Uncertain significance for Limb-girdle muscular dystrophy type 2E. Last evaluated: 2020-03-21. Review status: no assertion criteria provided. Collection method: clinical testing. Allele origin: germline. Not counted in ClinVar's aggregate classification.

Literature cited by the submitters: PubMed 9032047 (cited by Labcorp Genetics (formerly Invitae), Labcorp and Women's Health and Genetics/Laboratory Corporation of America, LabCorp); PubMed 22095924 (cited by Labcorp Genetics (formerly Invitae), Labcorp and Women's Health and Genetics/Laboratory Corporation of America, LabCorp).